The following is an entry in ClinVar:

NM_024426.6(WT1):c.*1132A>T

Gene: WT1 (WT1 transcription factor; minus strand). Cytogenetic location: 11p13.
Variant type: single nucleotide variant.
Coding change: c.*1132A>T on transcript NM_024426.6 (MANE Select); 1132 bases downstream of the stop codon, A replaced by T.
Molecular consequence: 3 prime UTR variant. On other transcripts: non-coding transcript variant (1).
Genome position (GRCh38, 1-based): chr11:32,387,926, T>A on the plus strand (A>T on the coding strand, the complement: WT1 is on the minus strand). VCF-style: chr11-32387926-T-A. GRCh37 (hg19) VCF-style: chr11-32409472-T-A.
Other names: c.*1132A>T (NM_000378.6, NM_001198551.2, NM_001198552.2 and 11 more transcripts).
Identifiers: ClinVar variation 304374 (VCV000304374.7), dbSNP rs5030328, ClinGen allele CA10630747.
Genomic context (GRCh38, chr11:32,387,926, plus strand): 5'-CCAGTGATGCATCTAGTACTTATACAGTCCTAATTTTAGTTGTCAAAGAGCAAATCATTA[T>A]CAGACATATATTTACACAGTAATTTCAAGCAACGGTAAATAATAAATTCCCTCCCTTAAA-3'

ClinVar aggregate classification (germline): Benign/Likely benign. Review status: criteria provided, multiple submitters, no conflicts (2 of 4 stars). 4 submissions from 2 submitters: Benign (2); Likely benign (2). Last evaluated 2018-01-13.

Conditions:
Meacham syndrome. Also called: Meacham Winn Culler syndrome. Identifiers: Orphanet 3097, MedGen C1837026, MONDO:0012164, OMIM 608978.
Wilms tumor 1 (WT1). Also called: Wilms tumor, somatic. Identifiers: Orphanet 654, MedGen CN033288, MONDO:0008679, OMIM 194070.
Nephrotic syndrome, type 4 (NPHS4). Also called: Familial mesangial sclerosis; Nephrotic syndrome, early onset with diffuse mesangial sclerosis. Identifiers: Orphanet 656, MedGen C3151568, MONDO:0009733, OMIM 256370.

Allele frequency attached by ClinVar (database versions not stated): 1000 Genomes Project 30x 0.00937; gnomAD 0.02340 and 0.02282; TOPMed 0.02132; 1000 Genomes Project 0.00879; gnomAD exomes 0.02702.
gnomAD v4.1: 5,645 of 234,078 alleles (2.4%); highest among the groups gnomAD compares: Non-Finnish European, 3.9%; 92 homozygotes.

Submissions (4):

Illumina Laboratory Services, Illumina
Classification: Benign for Meacham syndrome. Last evaluated: 2018-01-13. Review status: criteria provided, single submitter. Criteria: ICSL Variant Classification Criteria 13 December 2019. Collection method: clinical testing. Allele origin: germline.
Comment: This variant was observed in the ICSL laboratory as part of a predisposition screen in an ostensibly healthy population. It had not been previously curated by ICSL or reported in the Human Gene Mutation Database (HGMD: prior to June 1st, 2018), and was therefore a candidate for classification through an automated scoring system. Utilizing variant allele frequency, disease prevalence and penetrance estimates, and inheritance mode, an automated score was calculated to assess if this variant is too frequent to cause the disease. Based on the score and internal cut-off values, a variant classified as benign is not then subjected to further curation. The score for this variant resulted in a classification of benign for this disease.

Illumina Laboratory Services, Illumina
Classification: Likely benign for Nephrotic syndrome, type 4. Last evaluated: 2018-01-13. Review status: criteria provided, single submitter. Criteria: ICSL Variant Classification Criteria 13 December 2019. Collection method: clinical testing. Allele origin: germline.
Comment: This variant was observed in the ICSL laboratory as part of a predisposition screen in an ostensibly healthy population. It had not been previously curated by ICSL or reported in the Human Gene Mutation Database (HGMD: prior to June 1st, 2018), and was therefore a candidate for classification through an automated scoring system. Utilizing variant allele frequency, disease prevalence and penetrance estimates, and inheritance mode, an automated score was calculated to assess if this variant is too frequent to cause the disease. Based on the score and internal cut-off values, a variant classified as likely benign is not then subjected to further curation. The score for this variant resulted in a classification of likely benign for this disease.

Illumina Laboratory Services, Illumina
Classification: Benign for Wilms tumor 1. Last evaluated: 2018-01-13. Review status: criteria provided, single submitter. Criteria: ICSL Variant Classification Criteria 13 December 2019. Collection method: clinical testing. Allele origin: germline.
Comment: the same text as in the submission from Illumina Laboratory Services, Illumina above.

Breakthrough Genomics
Classification: Likely benign. Review status: criteria provided, single submitter. Criteria: ACMG Guidelines, 2015. Collection method: not provided. Allele origin: germline. Inheritance: Autosomal dominant inheritance. Affected: yes.